The following is an entry in ClinVar:

ClinVar aggregate classification (germline): Pathogenic. Review status: criteria provided, single submitter (1 of 4 stars). 2 submissions from 2 submitters: Pathogenic (1). 1 of the submissions does not count toward it. Last evaluated 2018-07-19.

Conditions:
ZTTK syndrome (ZTTKS). Also called: ZTTK MULTIPLE CONGENITAL ANOMALIES-MENTAL RETARDATION SYNDROME; Zhu-Tokita-Takenouchi-Kim Syndrome. Identifiers: Orphanet 500150, MedGen C4310696, MONDO:0014936, OMIM 617140.

Submissions (2):

GeneDx
Classification: Pathogenic. Last evaluated: 2018-07-19. Review status: criteria provided, single submitter. Criteria: GeneDx Variant Classification (06012015). Collection method: clinical testing. Allele origin: germline. Affected: yes.
Comment: The c.6087delC variant in the SON gene has been published as a de novo change in association with SON-related disorders (Kim et al., 2016). The c.6087delC variant causes a frameshift starting with codon Serine 2029, changes this amino acid to a Arginine residue, and creates a premature Stop codon at position 22 of the new reading frame, denoted p.Ser2029ArgfsX22. This variant is predicted to cause loss of normal protein function either through protein truncation or nonsense-mediated mRNA decay. The c.6087delC variant is not observed in large population cohorts (Lek et al., 2016). We interpret c.6087delC as a pathogenic variant.

University of Washington Center for Mendelian Genomics, University of Washington
Classification: Likely pathogenic for ZTTK syndrome. Last evaluated: 2016-09-01. Review status: no assertion criteria provided. Collection method: research. Allele origin: unknown. Affected: yes. Observed: 1 heterozygote. Not counted in ClinVar's aggregate classification.

Literature cited by the submitters: PubMed 27545680 (cited by University of Washington Center for Mendelian Genomics, University of Washington).

NM_138927.4(SON):c.6087del (p.Ser2029fs)

Gene: SON (SON DNA and RNA binding protein; plus strand). Cytogenetic location: 21q22.11.
Variant type: Deletion.
Coding change: c.6087del on transcript NM_138927.4 (MANE Select); coding-DNA position 6087, one base deleted (C; older notation c.6087delC).
Protein change: p.Ser2029fs; shifts the reading frame from serine 2029.
Molecular consequence: frameshift variant. On other transcripts: non-coding transcript variant (1), intron variant (1).
Genome position (GRCh38, 1-based): chr21:33,555,318, C deleted. VCF-style (leftmost placement, unchanged base first): chr21-33555317-GC-G. GRCh37 (hg19) VCF-style: chr21-34927623-GC-G.
Other names: c.6087del, p.Ser2029fs (NM_001291411.2, NM_032195.3); c.245-1838del (NM_001291412.3); c.6087delC (NM_032195.2); short protein forms S2029fs.
Identifiers: ClinVar variation 617864 (VCV000617864.2), dbSNP rs1569059792, ClinGen allele CA913191160.